The following is an entry in ClinVar:

ClinVar aggregate classification (germline): Uncertain significance. Review status: criteria provided, multiple submitters, no conflicts (2 of 4 stars). 2 submissions from 2 submitters: Uncertain significance (2). Last evaluated 2024-10-23.

Conditions:
Fanconi anemia (FA). Also called: Fanconi's anemia. Identifiers: Orphanet 84, MedGen C0015625, MeSH D005199, MONDO:0019391.
Fanconi anemia complementation group I (FANCI). Also called: FANCI-Related Fanconi Anemia. Identifiers: Orphanet 84, MedGen C1836861, MONDO:0012186, OMIM 609053.

Allele frequency attached by ClinVar (database versions not stated): gnomAD exomes below 0.00001; ExAC 0.00001.
gnomAD v4.1: 5 of 1,613,876 alleles (0.00031%); highest among the groups gnomAD compares: Middle Eastern, 0.033%; no homozygotes.

Submissions (2):

Labcorp Genetics (formerly Invitae), Labcorp
Classification: Uncertain significance for Fanconi anemia. Last evaluated: 2024-10-23. Review status: criteria provided, single submitter. Criteria: Invitae Variant Classification Sherloc (09022015). Collection method: clinical testing. Allele origin: germline.
Comment: This sequence change replaces isoleucine, which is neutral and non-polar, with valine, which is neutral and non-polar, at codon 233 of the FANCI protein (p.Ile233Val). This variant is present in population databases (rs757102747, gnomAD 0.003%). This variant has not been reported in the literature in individuals affected with FANCI-related conditions. ClinVar contains an entry for this variant (Variation ID: 1512384). Invitae Evidence Modeling of protein sequence and biophysical properties (such as structural, functional, and spatial information, amino acid conservation, physicochemical variation, residue mobility, and thermodynamic stability) indicates that this missense variant is not expected to disrupt FANCI protein function with a negative predictive value of 80%. In summary, the available evidence is currently insufficient to determine the role of this variant in disease. Therefore, it has been classified as a Variant of Uncertain Significance.

Fulgent Genetics
Classification: Uncertain significance for Fanconi anemia complementation group I. Last evaluated: 2022-05-12. Review status: criteria provided, single submitter. Criteria: ACMG Guidelines, 2015. Collection method: clinical testing. Allele origin: unknown.

NM_001113378.2(FANCI):c.697A>G (p.Ile233Val)

Gene: FANCI (FA complementation group I; plus strand). Cytogenetic location: 15q26.1.
Variant type: single nucleotide variant.
Coding change: c.697A>G on transcript NM_001113378.2 (MANE Select); coding-DNA position 697, A replaced by G.
Protein change: p.Ile233Val; replaces isoleucine 233 with valine.
Molecular consequence: missense variant.
Genome position (GRCh38, 1-based): chr15:89,264,549, A>G. VCF-style: chr15-89264549-A-G. GRCh37 (hg19) VCF-style: chr15-89807780-A-G.
Other names: c.418A>G, p.Ile140Val (NM_001376910.1); c.697A>G, p.Ile233Val (NM_001376911.1, NM_018193.3); short protein forms I140V, I233V.
Identifiers: ClinVar variation 1512384 (VCV001512384.6), dbSNP rs757102747, ClinGen allele CA7722729.